The following is an entry in ClinVar:

ClinVar aggregate classification (germline): Uncertain significance (1 of 4 stars; one submission).

Conditions:
Hereditary cancer-predisposing syndrome. Also called: Neoplastic Syndromes, Hereditary; Tumor predisposition; Hereditary Cancer Syndrome; Hereditary neoplastic syndrome. Identifiers: Orphanet 140162, MedGen C0027672, MeSH D009386, MONDO:0015356.

Allele frequency attached by ClinVar (database versions not stated): gnomAD exomes below 0.00001; ExAC 0.00001; gnomAD 0.00001; TOPMed 0.00001.

Submission:

Ambry Genetics
Classification: Uncertain significance for Hereditary cancer-predisposing syndrome. Last evaluated: 2014-11-28. Review status: criteria provided, single submitter. Criteria: Ambry Variant Classification Scheme 2023. Collection method: clinical testing. Allele origin: germline.
Comment: The p.S177C variant (also known as c.530C>G and 649C>G), located in coding exon 6 of the BRCA1 gene, results from a C to G substitution at nucleotide position 530. The serine at codon 177 is replaced by cysteine, an amino acid with dissimilar properties. This variant was not reported in population based cohorts in the following databases: Database of Single Nucleotide Polymorphisms (dbSNP), NHLBI Exome Sequencing Project (ESP), and 1000 Genomes Project. In the ESP, this variant was not observed in 6503 samples (13006 alleles) with coverage at this position. To date, this alteration has been detected with an allele frequency of approximately 0.002% (greater than 64,000 alleles tested) in our clinical cohort. This amino acid position is well conserved in available vertebrate species. In addition, this alteration is predicted to be deleterious by in silico analysis. Since supporting evidence is limited at this time, the clinical significance of p.S177C remains unclear.

NM_007294.4(BRCA1):c.530C>G (p.Ser177Cys)

Gene: BRCA1 (BRCA1 DNA repair associated; minus strand). Cytogenetic location: 17q21.31.
Variant type: single nucleotide variant.
Coding change: c.530C>G on transcript NM_007294.4 (MANE Select); coding-DNA position 530, C replaced by G.
Protein change: p.Ser177Cys; replaces serine 177 with cysteine.
Molecular consequence: missense variant. On other transcripts: non-coding transcript variant (1).
Genome position (GRCh38, 1-based): chr17:43,099,792, G>C on the plus strand (C>G on the coding strand, the complement: BRCA1 is on the minus strand). VCF-style: chr17-43099792-G-C. GRCh37 (hg19) VCF-style: chr17-41251809-G-C.
Other names: c.452C>G, p.Ser151Cys (NM_001408412.1, NM_001408414.1, NM_001408415.1 and 12 more transcripts); c.449C>G, p.Ser150Cys (NM_001408413.1, NM_001408416.1, NM_001408475.1 and 6 more transcripts); c.530C>G, p.Ser177Cys (NM_001408418.1, NM_001408419.1, NM_001408420.1 and 97 more transcripts); c.527C>G, p.Ser176Cys (NM_001408421.1, NM_001408424.1, NM_001408431.1 and 65 more transcripts); c.395C>G, p.Ser132Cys (NM_001408451.1); c.389C>G, p.Ser130Cys (NM_001408452.1, NM_001408453.1, NM_001408454.1 and 61 more transcripts); c.386C>G, p.Ser129Cys (NM_001408462.1, NM_001408463.1, NM_001408464.1 and 35 more transcripts); c.320C>G, p.Ser107Cys (NM_001408478.1, NM_001408479.1, NM_001408480.1 and 37 more transcripts); and 4 more; short protein forms S177C, S130C, S150C, S49C, S132C, S151C, S106C, S107C.
Identifiers: ClinVar variation 187240 (VCV000187240.6), dbSNP rs753940026, ClinGen allele CA003462.